The following is an entry in ClinVar:

NM_021096.4(CACNA1I):c.4993G>A (p.Gly1665Ser)

Gene: CACNA1I (calcium voltage-gated channel subunit alpha1 I; plus strand). Cytogenetic location: 22q13.1.
Variant type: single nucleotide variant.
Coding change: c.4993G>A on transcript NM_021096.4 (MANE Select); coding-DNA position 4993, G replaced by A.
Protein change: p.Gly1665Ser; replaces glycine 1665 with serine.
Molecular consequence: missense variant.
Genome position (GRCh38, 1-based): chr22:39,678,046, G>A. VCF-style: chr22-39678046-G-A. GRCh37 (hg19) VCF-style: chr22-40074051-G-A.
Other names: c.4888G>A, p.Gly1630Ser (NM_001003406.2); short protein forms G1630S, G1665S.
Identifiers: ClinVar variation 4072822 (VCV004072822.1).

ClinVar aggregate classification (germline): Uncertain significance (1 of 4 stars; one submission).

Submission:

GeneDx
Classification: Uncertain significance. Last evaluated: 2025-02-04. Review status: criteria provided, single submitter. Criteria: GeneDx Variant Classification Process June 2021. Collection method: clinical testing. Allele origin: germline. Affected: yes.
Comment: Not observed at significant frequency in large population cohorts (gnomAD); In silico analysis supports that this missense variant has a deleterious effect on protein structure/function; Has not been previously published as pathogenic or benign to our knowledge; In silico analysis suggests this variant may impact gene splicing. In the absence of RNA/functional studies, the actual effect of this sequence change is unknown.